The following is an entry in ClinVar:

NM_144772.3(NAXE):c.229del (p.Gln77fs)

Gene: NAXE (NAD(P)HX epimerase; plus strand). Cytogenetic location: 1q22.
Variant type: Deletion.
Coding change: c.229del on transcript NM_144772.3 (MANE Select); coding-DNA position 229, one base deleted (C; older notation c.229delC).
Protein change: p.Gln77fs; shifts the reading frame from glutamine 77.
Molecular consequence: frameshift variant.
Genome position (GRCh38, 1-based): chr1:156,592,147, C deleted; the last of 2 consecutive C bases (chr1:156,592,146-156,592,147); deleting either gives the same sequence. VCF-style (leftmost placement, unchanged base first): chr1-156592145-AC-A. GRCh37 (hg19) VCF-style: chr1-156561937-AC-A.
Other names: short protein forms Q77fs.
Identifiers: ClinVar variation 1320164 (VCV001320164.1), dbSNP rs2102489197, ClinGen allele CA2573051387.

ClinVar aggregate classification (germline): Pathogenic (1 of 4 stars; one submission).

Conditions:
Encephalopathy, progressive, early-onset, with brain edema and/or leukoencephalopathy, 1 (PEBEL1). Also called: NAD(P)HX epimerase deficiency. Identifiers: Orphanet 555407, MedGen C4310675, MONDO:0020781, OMIM 617186.

Submission:

3billion
Classification: Pathogenic for Encephalopathy, progressive, early-onset, with brain edema and/or leukoencephalopathy, 1. Last evaluated: 2021-10-02. Review status: criteria provided, single submitter. Criteria: ACMG Guidelines, 2015. Collection method: clinical testing. Allele origin: maternal. Affected: yes. Observed: 1 heterozygote.
Comment: Frameshift: predicted to result in a loss or disruption of normal protein function through nonsense-mediated decay (NMD) or protein truncation. Multiple pathogenic variants are reported downstream of the variant (PVS1_VS). It is not observed in the gnomAD v2.1.1 dataset (PM2). The variant has been reported to co-segregate with the disease in at least one similarly affected relative/individual in the same family (3billion dataset). Therefore, this variant is classified as pathogenic according to the recommendation of ACMG/AMP guideline.